The following is an entry in ClinVar:

ClinVar aggregate classification (germline): Uncertain significance (1 of 4 stars; one submission).

Conditions:
Inborn genetic diseases. Identifiers: MedGen C0950123, MeSH D030342.

Allele frequency attached by ClinVar (database versions not stated): gnomAD exomes below 0.00001.
gnomAD v4.1: 1 of 1,602,074 alleles (0.000062%); highest among the groups gnomAD compares: African/African-American, 0.0013%; no homozygotes.

Submission:

Ambry Genetics
Classification: Uncertain significance for Inborn genetic diseases. Last evaluated: 2023-07-12. Review status: criteria provided, single submitter. Criteria: Ambry Variant Classification Scheme 2023. Collection method: clinical testing. Allele origin: germline.
Comment: The p.S478R variant (also known as c.1434C>G), located in coding exon 10 of the EPAS1 gene, results from a C to G substitution at nucleotide position 1434. The serine at codon 478 is replaced by arginine, an amino acid with dissimilar properties. This amino acid position is conserved. In addition, this alteration is predicted to be tolerated by in silico analysis. Since supporting evidence is limited at this time, the clinical significance of this alteration remains unclear.

NM_001430.5(EPAS1):c.1434C>G (p.Ser478Arg)

Gene: EPAS1 (endothelial PAS domain protein 1; plus strand). Cytogenetic location: 2p21.
Variant type: single nucleotide variant.
Coding change: c.1434C>G on transcript NM_001430.5 (MANE Select); coding-DNA position 1434, C replaced by G.
Protein change: p.Ser478Arg; replaces serine 478 with arginine.
Molecular consequence: missense variant.
Genome position (GRCh38, 1-based): chr2:46,378,078, C>G. VCF-style: chr2-46378078-C-G. GRCh37 (hg19) VCF-style: chr2-46605217-C-G.
Other names: short protein forms S478R.
Identifiers: ClinVar variation 2626643 (VCV002626643.2), dbSNP rs2546473764, ClinGen allele CA346704078.